The following is an entry in ClinVar:

ClinVar aggregate classification (germline): Uncertain significance (1 of 4 stars; one submission).

Submission:

CeGaT Center for Human Genetics Tuebingen
Classification: Uncertain significance. Last evaluated: 2026-05-01. Review status: criteria provided, single submitter. Criteria: CeGaT Center For Human Genetics Tuebingen Variant Classification Criteria Version 2. Collection method: clinical testing. Allele origin: germline. Affected: yes. Observed: 1 variant allele.
Comment: ARID1B: PM2

NM_001374828.1(ARID1B):c.1336G>C (p.Ala446Pro)

Gene: ARID1B (AT-rich interaction domain 1B; plus strand). Cytogenetic location: 6q25.3.
Variant type: single nucleotide variant.
Coding change: c.1336G>C on transcript NM_001374828.1 (MANE Select); coding-DNA position 1336, G replaced by C.
Protein change: p.Ala446Pro; replaces alanine 446 with proline.
Molecular consequence: missense variant.
Genome position (GRCh38, 1-based): chr6:156,779,016, G>C. VCF-style: chr6-156779016-G-C. GRCh37 (hg19) VCF-style: chr6-157100150-G-C.
Other names: c.1336G>C, p.Ala446Pro (NM_001371656.1, NM_001374820.1, NM_001438482.1 and 9 more transcripts); short protein forms A446P.
Identifiers: ClinVar variation 4874378 (VCV004874378.2).